The following is an entry in ClinVar:

ClinVar aggregate classification (germline): Uncertain significance (1 of 4 stars; one submission).

Conditions:
UCP3-related disorder. Also called: UCP3-related condition.

Submission:

PreventionGenetics, part of Exact Sciences
Classification: Uncertain significance for UCP3-related condition. Last evaluated: 2025-12-28. Review status: criteria provided, single submitter. Criteria: ACMG Guidelines, 2015. Collection method: clinical testing. Allele origin: germline.
Comment: The UCP3 c.629_630delinsGT variant is predicted to result in an in-frame deletion and insertion. To our knowledge, this variant has not been reported in the literature or in a large population database (gnomAD), indicating this variant is rare. At this time, the clinical significance of this variant is uncertain due to the absence of conclusive functional and genetic evidence.

NM_003356.4(UCP3):c.629_630inv (p.Tyr210Cys)

Genes: UCP3 (uncoupling protein 3; minus strand), LOC126861261 (MED14-independent group 3 enhancer GRCh37_chr11:73715060-73716259; plus strand). Cytogenetic location: 11q13.4.
Variant type: Inversion.
Coding change: c.629_630inv on transcript NM_003356.4 (MANE Select).
Protein change: p.Tyr210Cys; replaces tyrosine 210 with cysteine.
Molecular consequence: missense variant.
Genome position: GRCh38 VCF-style: chr11-74004497-GT-AC. GRCh37 (hg19) VCF-style: chr11-73715542-GT-AC.
Other names: c.629_630inv, p.Tyr210Cys (NM_022803.3); short protein forms Y210C.
Identifiers: ClinVar variation 4989268 (VCV004989268.1).